The following is an entry in ClinVar:

ClinVar aggregate classification (germline): Conflicting classifications of pathogenicity. Review status: criteria provided, conflicting classifications (1 of 4 stars). 17 submissions from 17 submitters: Uncertain significance (9); Likely benign (7). 1 of the submissions does not count toward it. Last evaluated 2026-02-04.

Conditions:
Cardiovascular phenotype. Identifiers: MedGen CN230736.
Monogenic diabetes. Identifiers: Orphanet 183625, MedGen C3888631, MONDO:0015967.
Alstrom syndrome (ALMS). Identifiers: Orphanet 64, MedGen C0268425, MONDO:0008763, OMIM 203800.

Allele frequency attached by ClinVar (database versions not stated): 1000 Genomes Project 0.00080; 1000 Genomes Project 30x 0.00094; gnomAD 0.00146 and 0.00149; TOPMed 0.00148; gnomAD exomes 0.00157 and 0.00255; ExAC 0.00163; ESP Exome Variant Server 0.00190.
gnomAD v4.1: 3,896 of 1,613,872 alleles (0.24%); highest among the groups gnomAD compares: Non-Finnish European, 0.29%; 7 homozygotes.

Submissions (17):

Labcorp Genetics (formerly Invitae), Labcorp
Classification: Likely benign for Alstrom syndrome. Last evaluated: 2026-02-04. Review status: criteria provided, single submitter. Criteria: Invitae Variant Classification Sherloc (09022015). Collection method: clinical testing. Allele origin: germline.

CeGaT Center for Human Genetics Tuebingen
Classification: Likely benign. Last evaluated: 2026-02-01. Review status: criteria provided, single submitter. Criteria: CeGaT Center For Human Genetics Tuebingen Variant Classification Criteria Version 2. Collection method: clinical testing. Allele origin: germline. Affected: yes. Observed: 6 variant alleles.
Comment: ALMS1: BP4

ARUP Laboratories, Molecular Genetics and Genomics, ARUP Laboratories
Classification: Uncertain significance for Alstrom syndrome. Last evaluated: 2025-07-10. Review status: criteria provided, single submitter. Criteria: ARUP Molecular Germline Variant Investigation Process 2024. Collection method: clinical testing. Allele origin: germline.
Comment: The ALMS1 c.2036A>G p.Tyr679Cys variant (rs199573929, ClinVar Variation ID:210126) is reported in the literature in one individual affected with dilated cardiomyopathy but without clear disease association (Burstein 2021). This variant is found in the general population with an overall allele frequency of 0.15% (423/280160 alleles) in the Genome Aggregation Database (v2.1.1). Computational analyses are uncertain whether this variant is neutral or deleterious (REVEL: 0.191). Due to limited information, the clinical significance of this variant is uncertain at this time. References: Burstein DS et al. Genetic variant burden and adverse outcomes in pediatric cardiomyopathy. Pediatr Res. 2021 May;89(6):1470-1476. PMID: 32746448.

Women's Health and Genetics/Laboratory Corporation of America, LabCorp
Classification: Likely benign. Last evaluated: 2025-03-17. Review status: criteria provided, single submitter. Criteria: LabCorp Variant Classification Summary - May 2015. Collection method: clinical testing. Allele origin: germline.
Comment: Variant summary: ALMS1 c.2033A>G (p.Tyr678Cys) results in a non-conservative amino acid change located in the Alstrom syndrome repeat region (IPR040972) of the encoded protein sequence. Three of five in-silico tools predict a benign effect of the variant on protein function. The variant allele was found at a frequency of 0.0016 in 248830 control chromosomes, predominantly at a frequency of 0.0025 within the South Asian subpopulation in the gnomAD database. The observed variant frequency within South Asian control individuals in the gnomAD database is approximately 1.12 fold of the estimated maximal expected allele frequency for a pathogenic variant in ALMS1 causing Cardiomyopathy phenotype (0.0022). c.2033A>G has been reported in the literature in individuals affected with Cardiomyopathy wuthout strong evidence for causality (Campbell_2018, Celestino-Soper2015, Fitzgerald_2015,Londin_2011). These report(s) do not provide unequivocal conclusions about association of the variant with Cardiomyopathy. The following publications have been ascertained in the context of this evaluation (PMID: 29610177, 26636822, 25533962, 21943378). ClinVar contains an entry for this variant (Variation ID: 210126). Based on the evidence outlined above, the variant was classified as likely benign.

Blueprint Genetics
Classification: Likely benign. Last evaluated: 2024-11-15. Review status: criteria provided, single submitter. Criteria: ACMG Guidelines, 2015. Collection method: clinical testing. Allele origin: germline.

GeneDx
Classification: Uncertain significance. Last evaluated: 2022-07-22. Review status: criteria provided, single submitter. Criteria: GeneDx Variant Classification Process June 2021. Collection method: clinical testing. Allele origin: germline. Affected: yes.
Comment: Reported in a patient with dilated cardiomyopathy in published literature (Burstein et al., 2021); In silico analysis supports that this missense variant does not alter protein structure/function; Reported in ClinVar but additional evidence is not available (ClinVar Variant ID 210126; ClinVar); This variant is associated with the following publications: (PMID: 32746448)

Ambry Genetics
Classification: Likely benign for Cardiovascular phenotype. Last evaluated: 2022-07-08. Review status: criteria provided, single submitter. Criteria: Ambry Variant Classification Scheme 2023. Collection method: clinical testing. Allele origin: germline.

Genome-Nilou Lab
Classification: Uncertain significance for Alstrom syndrome. Last evaluated: 2021-05-18. Review status: criteria provided, single submitter. Criteria: ACMG Guidelines, 2015. Collection method: clinical testing. Allele origin: germline. Affected: no.

Clinical Genomics Laboratory, Stanford Medicine
Classification: Uncertain significance for Alstrom syndrome. Last evaluated: 2021-04-16. Review status: criteria provided, single submitter. Criteria: ACMG Guidelines, 2015. Collection method: clinical testing. Allele origin: germline. Affected: yes. Observed: 1 heterozygote.
Comment: The p.Tyr680Cys (also referred to as p.Tyr678Cys) variant in the ALMS1 gene has been previously reported in 2 unrelated individuals, 1 individual was heterozygous without a second variant identified, and 1 individual was compound heterozygous but had a phenotype inconsistent with Alstrom syndrome (Campbell et al., 2018; Celestino-Soper et al., 2015). This variant has also been identified in 76/30,598 South Asian chromosomes by the Genome Aggregation Database. This allele frequency is greater than would be expected to be disease-causing for Alstrom syndrome. Previously reported disease-causing variants in ALMS1 have been primarily truncating variants, whereas this variant results in a single amino acid substitution. The significance of this type of variation in the ALMS1 gene is currently unclear. Computational tools predict that the p.Tyr680Cys variant does not impact protein function; however, the accuracy of in silico algorithms is limited. These data were assessed using the ACMG/AMP variant interpretation guidelines. In summary, the significance of the p.Tyr680Cys variant is uncertain. Additional information is needed to resolve the significance of this variant. [ACMG evidence codes used: BS1_supporting

Fulgent Genetics
Classification: Uncertain significance for Alstrom syndrome. Last evaluated: 2018-10-31. Review status: criteria provided, single submitter. Criteria: ACMG Guidelines, 2015. Collection method: clinical testing. Allele origin: unknown.

Personalized Diabetes Medicine Program, University of Maryland School of Medicine
Classification: Likely benign for Monogenic diabetes. Last evaluated: 2018-06-29. Review status: criteria provided, single submitter. Criteria: ACMG Guidelines, 2015. Collection method: research. Allele origin: unknown. Observed: 2 variant alleles, 2 heterozygotes.
Comment: ACMG criteria: BP1, BS1 (0.2% MAF in gnomAD SA and ENF) [REVEL 0.191, PP3 (3), BP4 (6)= conflicting evidence, not using]= likely benign

Laboratory for Molecular Medicine, Mass General Brigham Personalized Medicine
Classification: Likely benign. Last evaluated: 2018-04-17. Review status: criteria provided, single submitter. Criteria: LMM Criteria. Collection method: clinical testing. Allele origin: germline. Observed: 1 variant allele.
Comment: p.Tyr680Cys in exon 8 of ALMS1: This variant is not expected to have clinical si gnificance because it has been identified in 0.25% (76/30778) South Asian and 0. 23% (293/125986) European chromosomes by the Genome Aggregation Database (gnomAD; dbSNP rs199573929). Tyrosine (Tyr) at positi on 680 is not highly conserved in mammals and evolutionary distant species, with one mammal (golden hamster) carrying a cystine (Cys) at this position, supporti ng that this change at this position may be tolerated. Additional computational computational prediction tools and conservation analysis suggest that this varia nt may not impact the protein. ACMG/AMP Criteria applied: BS1_P; BP4.

Stanford Center for Inherited Cardiovascular Disease, Stanford University
Classification: Uncertain significance. Last evaluated: 2016-12-05. Review status: criteria provided, single submitter. Criteria: ACMG Guidelines, 2015. Collection method: provider interpretation. Allele origin: germline.

Eurofins Ntd Llc (ga)
Classification: Uncertain significance. Last evaluated: 2016-06-07. Review status: criteria provided, single submitter. Criteria: EGL Classification Definitions 2015. Collection method: clinical testing. Allele origin: germline. Observed: 1 variant allele, 1 heterozygote.

Genetic Services Laboratory, University of Chicago
Classification: Uncertain significance. Last evaluated: 2015-06-01. Review status: criteria provided, single submitter. Criteria: ACMG Guidelines, 2015. Collection method: clinical testing. Allele origin: germline.

Clinical Genomics, Uppaluri K&H Personalized Medicine Clinic
Classification: Uncertain significance for Alstrom syndrome. Review status: criteria provided, single submitter. Criteria: K & H Uppaluri Personalized Medicine Clinic Variant Classification & Assertion Criteria_Updated V.1. Collection method: research. Allele origin: unknown. Inheritance: Autosomal recessive inheritance.
Comment: Potent mutations in ALMS1 are associated with a rare condition called Alstrom syndrome. It can cause excessive eating, insulin resistance. However, no evidence is found to ascertain the role of rs199573929 in Alstrom syndrome yet.

Natera, Inc.
Classification: Likely benign for Alstrom syndrome. Last evaluated: 2020-01-13. Review status: no assertion criteria provided. Collection method: clinical testing. Allele origin: germline. Not counted in ClinVar's aggregate classification.

Literature cited by the submitters: PubMed 21943378 (cited by Women's Health and Genetics/Laboratory Corporation of America, LabCorp); PubMed 26636822 (cited by Women's Health and Genetics/Laboratory Corporation of America, LabCorp); PubMed 29610177 (cited by Women's Health and Genetics/Laboratory Corporation of America, LabCorp); PubMed 25533962 (cited by Women's Health and Genetics/Laboratory Corporation of America, LabCorp); PubMed 25846608 (cited by Clinical Genomics, Uppaluri K&H Personalized Medicine Clinic); PubMed 30421101 (cited by Clinical Genomics, Uppaluri K&H Personalized Medicine Clinic); PubMed 33669459 (cited by Clinical Genomics, Uppaluri K&H Personalized Medicine Clinic); PubMed 34148947 (cited by Clinical Genomics, Uppaluri K&H Personalized Medicine Clinic).

NM_001378454.1(ALMS1):c.2036A>G (p.Tyr679Cys)

Gene: ALMS1 (ALMS1 centrosome and basal body associated protein; plus strand). Cytogenetic location: 2p13.1.
Variant type: single nucleotide variant.
Coding change: c.2036A>G on transcript NM_001378454.1 (MANE Select); coding-DNA position 2036, A replaced by G.
Protein change: p.Tyr679Cys; replaces tyrosine 679 with cysteine.
Molecular consequence: missense variant.
Genome position (GRCh38, 1-based): chr2:73,448,563, A>G. VCF-style: chr2-73448563-A-G. GRCh37 (hg19) VCF-style: chr2-73675690-A-G.
Other names: p.Tyr680Cys; c.2039A>G, p.Tyr680Cys (NM_015120.4); short protein forms Y680C, Y679C.
Identifiers: ClinVar variation 210126 (VCV000210126.57), dbSNP rs199573929, ClinGen allele CA207921.